The following is an entry in ClinVar:

NM_007194.4(CHEK2):c.1375+1G>T

Gene: CHEK2 (checkpoint kinase 2; minus strand). Cytogenetic location: 22q12.1.
Variant type: single nucleotide variant.
Coding change: c.1375+1G>T on transcript NM_007194.4 (MANE Select); the canonical splice donor site of the intron after coding-DNA position 1375, G replaced by T.
Molecular consequence: splice donor variant.
Genome position (GRCh38, 1-based): chr22:28,695,126, C>A on the plus strand (G>T on the coding strand, the complement: CHEK2 is on the minus strand). VCF-style: chr22-28695126-C-A. GRCh37 (hg19) VCF-style: chr22-29091114-C-A.
Other names: c.712+1G>T (NM_001437942.1, NM_001257387.3); c.1174+1G>T (NM_001349956.3); c.1288+1G>T (NM_145862.3); c.1381+1G>T (NM_001438295.1); c.1468+1G>T (NM_001438293.1); c.1417+1G>T (NM_001438294.1); c.1504+1G>T (NM_001005735.3); c.1375+1G>T (NM_007194.3).
Identifiers: ClinVar variation 2100282 (VCV002100282.7), dbSNP rs759706360, ClinGen allele CA411095313.
Genomic context (GRCh38, chr22:28,695,126, plus strand): 5'-CCCACCACAGCACATACACATTTTAGCATACCACAAATTCTTAACCCTTTCATATTCATA[C>A]CTTTCTCTGAGACTTCTGCCCAGACTTCAGGAATGAAGTTGTATTTTCCACTGGTGATCT-3'

ClinVar aggregate classification (germline): Likely pathogenic. Review status: criteria provided, multiple submitters, no conflicts (2 of 4 stars). 3 submissions from 3 submitters: Likely pathogenic (3). Last evaluated 2026-08-26.

Conditions:
Familial cancer of breast. Also called: Hereditary breast cancer; BREAST CANCER, FAMILIAL; hereditary breast carcinoma. Identifiers: Orphanet 227535, MedGen C0346153, MONDO:0016419, OMIM 114480. Disease mechanism: loss of function.
Hereditary cancer-predisposing syndrome. Also called: Tumor predisposition; Hereditary Cancer Syndrome; Hereditary neoplastic syndrome; Neoplastic Syndromes, Hereditary. Identifiers: Orphanet 140162, MedGen C0027672, MeSH D009386, MONDO:0015356.

Submissions (3):

Ambry Genetics
Classification: Likely pathogenic for Hereditary cancer-predisposing syndrome. Last evaluated: 2026-08-26. Review status: criteria provided, single submitter. Criteria: Ambry Variant Classification Scheme 2023. Collection method: clinical testing. Allele origin: germline.
Comment: The c.1375+1G>T intronic variant results from a G to T substitution one nucleotide after coding exon 11 of the CHEK2 gene. This variant is considered to be rare based on population cohorts in the Genome Aggregation Database (gnomAD). This nucleotide position is highly conserved in available vertebrate species. In silico splice site analysis predicts that this alteration will weaken the native splice donor site; however, direct evidence is insufficient at this time (Ambry internal data). Variants that disrupt the canonical splice site are expected to cause aberrant splicing, resulting in an abnormal protein or a transcript that is subject to nonsense-mediated mRNA decay. As such, this variant is likely to be pathogenic.

Labcorp Genetics (formerly Invitae), Labcorp
Classification: Likely pathogenic for Familial cancer of breast. Last evaluated: 2025-06-09. Review status: criteria provided, single submitter. Criteria: Invitae Variant Classification Sherloc (09022015). Collection method: clinical testing. Allele origin: germline.
Comment: This sequence change affects a donor splice site in intron 12 of the CHEK2 gene. It is expected to disrupt RNA splicing. Variants that disrupt the donor or acceptor splice site typically lead to a loss of protein function (PMID: 16199547), and loss-of-function variants in CHEK2 are known to be pathogenic (PMID: 21876083, 24713400). This variant is not present in population databases (gnomAD no frequency). Disruption of this splice site has been observed in individual(s) with breast cancer and/or lung cancer (PMID: 31721094, 36655350). ClinVar contains an entry for this variant (Variation ID: 2100282). Algorithms developed to predict the effect of sequence changes on RNA splicing suggest that this variant may disrupt the consensus splice site. In summary, the currently available evidence indicates that the variant is pathogenic, but additional data are needed to prove that conclusively. Therefore, this variant has been classified as Likely Pathogenic.

Myriad Genetics, Inc.
Classification: Likely pathogenic for Familial cancer of breast. Last evaluated: 2023-06-28. Review status: criteria provided, single submitter. Criteria: Myriad Autosomal Dominant, Autosomal Recessive and X-Linked Classification Criteria (2023). Collection method: clinical testing. Allele origin: unknown.
Comment: This variant is considered likely pathogenic. This variant occurs within a consensus splice junction and is predicted to result in abnormal mRNA splicing of either an out-of-frame exon or an in-frame exon necessary for protein stability and/or normal function.

Literature cited by the submitters: PubMed 16199547 (cited by Labcorp Genetics (formerly Invitae), Labcorp); PubMed 21876083 (cited by Labcorp Genetics (formerly Invitae), Labcorp); PubMed 24713400 (cited by Labcorp Genetics (formerly Invitae), Labcorp); PubMed 31721094 (cited by Labcorp Genetics (formerly Invitae), Labcorp); PubMed 36655350 (cited by Labcorp Genetics (formerly Invitae), Labcorp).